The following is an entry in ClinVar:

ClinVar aggregate classification (germline): Uncertain significance (1 of 4 stars; one submission).

Allele frequency attached by ClinVar (database versions not stated): gnomAD exomes below 0.00001; gnomAD 0.00001; TOPMed 0.00001.
gnomAD v4.1: 3 of 1,613,908 alleles (0.00019%); highest among the groups gnomAD compares: African/African-American, 0.0027%; no homozygotes.

Submission:

Labcorp Genetics (formerly Invitae), Labcorp
Classification: Uncertain significance. Last evaluated: 2022-03-14. Review status: criteria provided, single submitter. Criteria: Invitae Variant Classification Sherloc (09022015). Collection method: clinical testing. Allele origin: germline.
Comment: Algorithms developed to predict the effect of missense changes on protein structure and function are either unavailable or do not agree on the potential impact of this missense change (SIFT: "Not Available"; PolyPhen-2: "Benign"; Align-GVGD: "Not Available"). In summary, the available evidence is currently insufficient to determine the role of this variant in disease. Therefore, it has been classified as a Variant of Uncertain Significance. This variant has not been reported in the literature in individuals affected with SERPINF1-related conditions. This variant is not present in population databases (gnomAD no frequency). This sequence change replaces isoleucine, which is neutral and non-polar, with valine, which is neutral and non-polar, at codon 301 of the SERPINF1 protein (p.Ile301Val).

NM_002615.7(SERPINF1):c.901A>G (p.Ile301Val)

Gene: SERPINF1 (serpin family F member 1; plus strand). Cytogenetic location: 17p13.3.
Variant type: single nucleotide variant.
Coding change: c.901A>G on transcript NM_002615.7 (MANE Select); coding-DNA position 901, A replaced by G.
Protein change: p.Ile301Val; replaces isoleucine 301 with valine.
Molecular consequence: missense variant.
Genome position (GRCh38, 1-based): chr17:1,776,646, A>G. VCF-style: chr17-1776646-A-G. GRCh37 (hg19) VCF-style: chr17-1679940-A-G.
Other names: c.901A>G, p.Ile301Val (NM_001329903.2); c.340A>G, p.Ile114Val (NM_001329904.2, NM_001329905.2); short protein forms I301V, I114V.
Identifiers: ClinVar variation 2158577 (VCV002158577.4), dbSNP rs1688671593, ClinGen allele CA397589792.